The following is an entry in ClinVar:

NM_000059.4(BRCA2):c.-9T>C

Gene: BRCA2 (BRCA2 DNA repair associated; plus strand). Cytogenetic location: 13q13.1.
Variant type: single nucleotide variant.
Coding change: c.-9T>C on transcript NM_000059.4 (MANE Select); 9 bases upstream of the start codon, T replaced by C.
Molecular consequence: 5 prime UTR variant.
Genome position (GRCh38, 1-based): chr13:32,316,452, T>C. VCF-style: chr13-32316452-T-C. GRCh37 (hg19) VCF-style: chr13-32890589-T-C.
Other names: 220T>C; 5'UTR220T>C.
Identifiers: ClinVar variation 37717 (VCV000037717.29), dbSNP rs276174802, ClinGen allele CA026356.

ClinVar aggregate classification (germline): Conflicting classifications of pathogenicity. Review status: criteria provided, conflicting classifications (1 of 4 stars). 11 submissions from 11 submitters: Uncertain significance (1); Likely benign (5). 5 of the submissions do not count toward it. Last evaluated 2026-01-08.

Conditions:
Hereditary cancer-predisposing syndrome. Also called: Tumor predisposition; Neoplastic Syndromes, Hereditary; Hereditary neoplastic syndrome; Hereditary Cancer Syndrome. Identifiers: Orphanet 140162, MedGen C0027672, MeSH D009386, MONDO:0015356.
Familial cancer of breast. Also called: Hereditary breast cancer; BREAST CANCER, FAMILIAL; hereditary breast carcinoma. Identifiers: Orphanet 227535, MedGen C0346153, MONDO:0016419, OMIM 114480. Disease mechanism: loss of function.
Breast-ovarian cancer, familial, susceptibility to, 2 (BROVCA2). Also called: BRCA2 Hereditary Breast and Ovarian Cancer. Identifiers: Orphanet 145, MedGen C2675520, MONDO:0012933, OMIM 612555. Disease mechanism: loss of function.
Hereditary breast ovarian cancer syndrome. Also called: Hereditary breast and ovarian cancer; Hereditary breast and ovarian cancer syndrome (HBOC); Hereditary breast and/or ovarian cancer syndrome; Breast and ovarian cancer; Hereditary breast and ovarian cancer syndrome; BRCA1- and BRCA2-Associated Hereditary Breast and Ovarian Cancer. Identifiers: Orphanet 145, MedGen C0677776, MeSH D061325, MONDO:0003582. Disease mechanism: loss of function.

Allele frequency attached by ClinVar (database versions not stated): ExAC 0.00001; gnomAD 0.00001; TOPMed 0.00002; gnomAD exomes 0.00005 and 0.00002.
gnomAD v4.1: 68 of 1,612,152 alleles (0.0042%); highest among the groups gnomAD compares: Non-Finnish European, 0.0054%; no homozygotes.

Submissions (11):

Labcorp Genetics (formerly Invitae), Labcorp
Classification: Likely benign for Hereditary breast ovarian cancer syndrome. Last evaluated: 2026-01-08. Review status: criteria provided, single submitter. Criteria: Invitae Variant Classification Sherloc (09022015). Collection method: clinical testing. Allele origin: germline.

Women's Health and Genetics/Laboratory Corporation of America, LabCorp
Classification: Likely benign. Last evaluated: 2025-09-02. Review status: criteria provided, single submitter. Criteria: LabCorp Variant Classification Summary - May 2015. Collection method: clinical testing. Allele origin: germline.
Comment: Variant summary: BRCA2 c.-9T>C is located in the untranslated mRNA region upstream of the initiation codon. The variant allele was found at a frequency of 2.4e-05 in 251186 control chromosomes. The available data on variant occurrences in the general population are insufficient to allow any conclusion about variant significance. c.-9T>C has been reported in the literature in at least two individuals within a cohort of early-onset and/or familial breast cancer (BC) cases collected by the ENIGMA consortium without evidence of causality (e.g. Burke_2018). This report does not provide unequivocal conclusions about association of the variant with Hereditary Breast And Ovarian Cancer Syndrome. The variant was also found in one individual in the FLOSSIES database (women over age 70 without history of cancer) at a frequency of 0.0001. To our knowledge, no experimental evidence demonstrating an impact on protein function has been reported. The following publication has been ascertained in the context of this evaluation (PMID: 30204945). ClinVar contains an entry for this variant (Variation ID: 37717). Based on the evidence outlined above, the variant was classified as likely benign.

Quest Diagnostics Nichols Institute San Juan Capistrano
Classification: Likely benign. Last evaluated: 2023-08-18. Review status: criteria provided, single submitter. Criteria: Quest Diagnostics criteria. Collection method: clinical testing. Allele origin: unknown.

Department of Pathology and Laboratory Medicine, Sinai Health System
Classification: Uncertain significance for Familial cancer of breast; Breast-ovarian cancer, familial, susceptibility to, 2. Last evaluated: 2021-02-16. Review status: criteria provided, single submitter. Criteria: ACMG Guidelines, 2015. Collection method: clinical testing. Allele origin: germline. Affected: yes.

GeneDx
Classification: Likely benign. Last evaluated: 2017-06-02. Review status: criteria provided, single submitter. Criteria: GeneDx Variant Classification (06012015). Collection method: clinical testing. Allele origin: germline. Affected: yes.
Comment: This variant is considered likely benign or benign based on one or more of the following criteria: it is a conservative change, it occurs at a poorly conserved position in the protein, it is predicted to be benign by multiple in silico algorithms, and/or has population frequency not consistent with disease.

Color Diagnostics, LLC DBA Color Health
Classification: Likely benign for Hereditary cancer-predisposing syndrome. Last evaluated: 2015-07-16. Review status: criteria provided, single submitter. Criteria: ACMG Guidelines, 2015. Collection method: clinical testing. Allele origin: germline.

Counsyl
Classification: Uncertain significance for Breast-ovarian cancer, familial, susceptibility to, 2. Last evaluated: 2017-11-20. Review status: no assertion criteria provided. Collection method: clinical testing. Allele origin: unknown. Not counted in ClinVar's aggregate classification.

Sharing Clinical Reports Project (SCRP)
Classification: Likely benign for Breast-ovarian cancer, familial 2. Last evaluated: 2011-12-01. Review status: no assertion criteria provided. Collection method: clinical testing. Allele origin: germline. Not counted in ClinVar's aggregate classification.

Breast Cancer Information Core (BIC) (BRCA2)
Classification: Uncertain significance for Breast-ovarian cancer, familial 2. Last evaluated: 2002-05-29. Review status: no assertion criteria provided. Collection method: clinical testing. Allele origin: germline. Affected: yes. Observed: 8 variant alleles. Not counted in ClinVar's aggregate classification.

Clinical Genetics DNA and cytogenetics Diagnostics Lab, Erasmus MC, Erasmus Medical Center
Classification: Likely benign. Review status: no assertion criteria provided. Collection method: clinical testing. Allele origin: germline. Affected: yes. Study: VKGL Data-share Consensus. Not counted in ClinVar's aggregate classification.

Joint Genome Diagnostic Labs from Nijmegen and Maastricht, Radboudumc and MUMC+
Classification: Likely benign. Review status: no assertion criteria provided. Collection method: clinical testing. Allele origin: germline. Affected: yes. Study: VKGL Data-share Consensus. Not counted in ClinVar's aggregate classification.

Literature cited by the submitters: PubMed 30204945 (cited by Women's Health and Genetics/Laboratory Corporation of America, LabCorp and Quest Diagnostics Nichols Institute San Juan Capistrano).